The following is an entry in ClinVar:

ClinVar aggregate classification (germline): Uncertain significance (1 of 4 stars; one submission).

Conditions:
Fanconi anemia (FA). Also called: Fanconi's anemia. Identifiers: Orphanet 84, MedGen C0015625, MeSH D005199, MONDO:0019391.

Allele frequency attached by ClinVar (database versions not stated): gnomAD exomes 0.00002; gnomAD 0.00003.
gnomAD v4.1: 32 of 1,614,012 alleles (0.002%); highest among the groups gnomAD compares: Non-Finnish European, 0.0025%; no homozygotes.

Submission:

Labcorp Genetics (formerly Invitae), Labcorp
Classification: Uncertain significance for Fanconi anemia. Last evaluated: 2021-01-05. Review status: criteria provided, single submitter. Criteria: Invitae Variant Classification Sherloc (09022015). Collection method: clinical testing. Allele origin: germline.
Comment: In summary, the available evidence is currently insufficient to determine the role of this variant in disease. Therefore, it has been classified as a Variant of Uncertain Significance. Algorithms developed to predict the effect of missense changes on protein structure and function are either unavailable or do not agree on the potential impact of this missense change (SIFT: "Deleterious"; PolyPhen-2: "Possibly Damaging"; Align-GVGD: "Class C0"). This variant has not been reported in the literature in individuals with FANCD2-related conditions. This variant is present in population databases (rs549790164, ExAC 0.001%). This sequence change replaces isoleucine with arginine at codon 450 of the FANCD2 protein (p.Ile450Arg). The isoleucine residue is weakly conserved and there is a moderate physicochemical difference between isoleucine and arginine.

NM_001018115.3(FANCD2):c.1349T>G (p.Ile450Arg)

Genes: FANCD2 (FA complementation group D2; plus strand), LOC107303338 (3p25 FANCD2 Alu-mediated recombination region; plus strand). Cytogenetic location: 3p25.3.
Variant type: single nucleotide variant.
Coding change: c.1349T>G on transcript NM_001018115.3 (MANE Select); coding-DNA position 1349, T replaced by G.
Protein change: p.Ile450Arg; replaces isoleucine 450 with arginine.
Molecular consequence: missense variant.
Genome position (GRCh38, 1-based): chr3:10,047,987, T>G. VCF-style: chr3-10047987-T-G. GRCh37 (hg19) VCF-style: chr3-10089671-T-G.
Other names: c.1349T>G, p.Ile450Arg (NM_001319984.2, NM_001374253.1, NM_001374254.1 and 1 more transcripts); short protein forms I450R.
Identifiers: ClinVar variation 1469608 (VCV001469608.8), dbSNP rs549790164, ClinGen allele CA2249618.
Genomic context (GRCh38, chr3:10,047,987, plus strand): 5'-ATATGTGTTCATCCATTCTGTCGCTGGCTCAGAGTTTGCTTCACTCTCTAGACCAGAGTA[T>G]AATTTCATTTGGCAGTCTCCTATACAAATATGCATTTAAGTTTTTTGACACGTACTGCCA-3'
Protein context (NP_001018125.1, residues 440-460): QSLLHSLDQS[Ile450Arg]ISFGSLLYKY